The following is an entry in ClinVar:

ClinVar aggregate classification (germline): Uncertain significance (1 of 4 stars; one submission).

Conditions:
Hereditary cancer-predisposing syndrome. Also called: Neoplastic Syndromes, Hereditary; Tumor predisposition; Hereditary neoplastic syndrome; Hereditary Cancer Syndrome. Identifiers: Orphanet 140162, MedGen C0027672, MeSH D009386, MONDO:0015356.

gnomAD v4.1: 1 of 1,601,242 alleles (0.000062%); highest among the groups gnomAD compares: Non-Finnish European, 0.000086%; no homozygotes.

Submission:

Ambry Genetics
Classification: Uncertain significance for Hereditary cancer-predisposing syndrome. Last evaluated: 2026-07-18. Review status: criteria provided, single submitter. Criteria: Ambry Variant Classification Scheme 2023. Collection method: clinical testing. Allele origin: germline.
Comment: The p.K756R variant (also known as c.2267A>G), located in coding exon 9 of the BLM gene, results from an A to G substitution at nucleotide position 2267. The lysine at codon 756 is replaced by arginine, an amino acid with highly similar properties. This amino acid position is conserved. In addition, the in silico prediction for this alteration is inconclusive. Based on the available evidence, the clinical significance of this variant remains unclear.

NM_000057.4(BLM):c.2267A>G (p.Lys756Arg)

Gene: BLM (BLM RecQ like helicase; plus strand). Cytogenetic location: 15q26.1.
Variant type: single nucleotide variant.
Coding change: c.2267A>G on transcript NM_000057.4 (MANE Select); coding-DNA position 2267, A replaced by G.
Protein change: p.Lys756Arg; replaces lysine 756 with arginine.
Molecular consequence: missense variant.
Genome position (GRCh38, 1-based): chr15:90,766,983, A>G. VCF-style: chr15-90766983-A-G. GRCh37 (hg19) VCF-style: chr15-91310213-A-G.
Other names: c.2267A>G, p.Lys756Arg (NM_001287246.2, NM_001287247.2); c.1142A>G, p.Lys381Arg (NM_001287248.2); short protein forms K381R, K756R.
Identifiers: ClinVar variation 5032910 (VCV005032910.1).
Genomic context (GRCh38, chr15:90,766,983, plus strand): 5'-ATCTGACAGGTGATAAGACTGACTCAGAAGCTACAAATATTTACCTCCAGTTATCAAAAA[A>G]AGACCCAATCATAAAACTTCTATATGTCACTCCAGAAAAGGTTTGTATTTATATCATTAT-3'
Protein context (NP_000048.1, residues 746-766): ATNIYLQLSK[Lys756Arg]DPIIKLLYVT